The following is an entry in ClinVar:

NM_016292.3(TRAP1):c.1462A>C (p.Ser488Arg)

Genes: DNASE1 (deoxyribonuclease 1; plus strand), TRAP1 (TNF receptor associated protein 1; minus strand). Cytogenetic location: 16p13.3.
Variant type: single nucleotide variant.
Coding change: c.1462A>C on transcript NM_016292.3 (MANE Select); coding-DNA position 1462, A replaced by C.
Protein change: p.Ser488Arg; replaces serine 488 with arginine.
Molecular consequence: missense variant. On other transcripts: 3 prime UTR variant (1).
Genome position (GRCh38, 1-based): chr16:3,664,381, T>G on the plus strand (A>C on the coding strand, the complement: TRAP1 is on the minus strand). VCF-style: chr16-3664381-T-G. GRCh37 (hg19) VCF-style: chr16-3714382-T-G.
Other names: c.1303A>C, p.Ser435Arg (NM_001272049.2); c.*1757T>G (NM_001387140.1); short protein forms S435R, S488R.
Identifiers: ClinVar variation 2796848 (VCV002796848.3), dbSNP rs1192511571, ClinGen allele CA394567126.
Genomic context (GRCh38, chr16:3,664,381, plus strand): 5'-CCAGGTGACGGTTGGGGGCGCACAGGTAGTAGATGTTGCGGGTGCCGGCCCGCATGCGGC[T>G]GGCGTATTCTGAGAGGCTGGTTAGCTGCCCGGAGGGCAGCGCCGAGGACTCGTAGCGCAG-3'
Protein context (NP_057376.2, residues 478-498): GQLTSLSEYA[Ser488Arg]RMRAGTRNIY

ClinVar aggregate classification (germline): Uncertain significance (1 of 4 stars; one submission).

Allele frequency attached by ClinVar (database versions not stated): gnomAD exomes below 0.00001.
gnomAD v4.1: 1 of 1,612,566 alleles (0.000062%); highest among the groups gnomAD compares: Admixed American, 0.0017%; no homozygotes.

Submission:

Labcorp Genetics (formerly Invitae), Labcorp
Classification: Uncertain significance. Last evaluated: 2023-12-25. Review status: criteria provided, single submitter. Criteria: Invitae Variant Classification Sherloc (09022015). Collection method: clinical testing. Allele origin: germline.
Comment: This sequence change replaces serine, which is neutral and polar, with arginine, which is basic and polar, at codon 488 of the TRAP1 protein (p.Ser488Arg). This variant is present in population databases (no rsID available, gnomAD 0.003%). This variant has not been reported in the literature in individuals affected with TRAP1-related conditions. Advanced modeling of protein sequence and biophysical properties (such as structural, functional, and spatial information, amino acid conservation, physicochemical variation, residue mobility, and thermodynamic stability) performed at Invitae indicates that this missense variant is not expected to disrupt TRAP1 protein function with a negative predictive value of 80%. In summary, the available evidence is currently insufficient to determine the role of this variant in disease. Therefore, it has been classified as a Variant of Uncertain Significance.